The following is an entry in ClinVar:

NM_033087.4(ALG2):c.929C>A (p.Ser310Tyr)

Gene: ALG2 (ALG2 alpha-1,3/1,6-mannosyltransferase; minus strand). Cytogenetic location: 9q22.33.
Variant type: single nucleotide variant.
Coding change: c.929C>A on transcript NM_033087.4 (MANE Select); coding-DNA position 929, C replaced by A.
Protein change: p.Ser310Tyr; replaces serine 310 with tyrosine.
Molecular consequence: missense variant. On other transcripts: non-coding transcript variant (1).
Genome position (GRCh38, 1-based): chr9:99,218,256, G>T on the plus strand (C>A on the coding strand, the complement: ALG2 is on the minus strand). VCF-style: chr9-99218256-G-T. GRCh37 (hg19) VCF-style: chr9-101980538-G-T.
Other names: c.929C>A (NM_033087.3); short protein forms S310Y.
Identifiers: ClinVar variation 2065142 (VCV002065142.5), dbSNP rs2490382547, ClinGen allele CA374226902.

ClinVar aggregate classification (germline): Uncertain significance. Review status: criteria provided, multiple submitters, no conflicts (2 of 4 stars). 2 submissions from 2 submitters: Uncertain significance (2). Last evaluated 2023-09-20.

Conditions:
Inborn genetic diseases. Identifiers: MedGen C0950123, MeSH D030342.
Congenital disorder of glycosylation, type Ii. Also called: ALG2-congenital disorder of glycosylation; CDG Ii; ALG2-CDG. Identifiers: Orphanet 79326, MedGen C1842836, MONDO:0011933, OMIM 607906.
Congenital myasthenic syndrome 14. Also called: Myasthenic syndrome, congenital, 14, with tubular aggregates. Identifiers: Orphanet 353327, Orphanet 590, MedGen C4015597, MONDO:0014543, OMIM 616228.

Submissions (2):

Ambry Genetics
Classification: Uncertain significance for Inborn genetic diseases. Last evaluated: 2023-09-20. Review status: criteria provided, single submitter. Criteria: Ambry Variant Classification Scheme 2023. Collection method: clinical testing. Allele origin: germline.

Labcorp Genetics (formerly Invitae), Labcorp
Classification: Uncertain significance for Congenital disorder of glycosylation, type Ii; Congenital myasthenic syndrome 14. Last evaluated: 2022-06-29. Review status: criteria provided, single submitter. Criteria: Invitae Variant Classification Sherloc (09022015). Collection method: clinical testing. Allele origin: germline.
Comment: This variant is not present in population databases (gnomAD no frequency). This sequence change replaces serine, which is neutral and polar, with tyrosine, which is neutral and polar, at codon 310 of the ALG2 protein (p.Ser310Tyr). This variant has not been reported in the literature in individuals affected with ALG2-related conditions. Algorithms developed to predict the effect of missense changes on protein structure and function (SIFT, PolyPhen-2, Align-GVGD) all suggest that this variant is likely to be tolerated. In summary, the available evidence is currently insufficient to determine the role of this variant in disease. Therefore, it has been classified as a Variant of Uncertain Significance.